The following is an entry in ClinVar:

ClinVar aggregate classification (germline): Uncertain significance. Review status: criteria provided, single submitter (1 of 4 stars). 2 submissions from 2 submitters: Uncertain significance (1). 1 of the submissions does not count toward it. Last evaluated 2026-01-26.

Conditions:
CRYGC-related disorder. Also called: CRYGC-related condition.
Nuclear pulverulent cataract (CTRCT2). Identifiers: MedGen C1852438, HP:0010698.

Allele frequency attached by ClinVar (database versions not stated): gnomAD exomes 0.00003; TOPMed 0.00003; gnomAD 0.00005 and 0.00006; ExAC 0.00006; 1000 Genomes Project 30x 0.00016; 1000 Genomes Project 0.00020.

Submissions (2):

Labcorp Genetics (formerly Invitae), Labcorp
Classification: Uncertain significance for Nuclear pulverulent cataract. Last evaluated: 2026-01-26. Review status: criteria provided, single submitter. Criteria: Invitae Variant Classification Sherloc (09022015). Collection method: clinical testing. Allele origin: germline.
Comment: This sequence change replaces glycine, which is neutral and non-polar, with serine, which is neutral and polar, at codon 41 of the CRYGC protein (p.Gly41Ser). This variant is present in population databases (rs559463428, gnomAD 0.01%). This missense change has been observed in individual(s) with clinical features of CRYGC-related conditions (internal data). ClinVar contains an entry for this variant (Variation ID: 1037881). An algorithm developed to predict the effect of missense changes on protein structure and function (PolyPhen-2) suggests that this variant is likely to be disruptive. In summary, the available evidence is currently insufficient to determine the role of this variant in disease. Therefore, it has been classified as a Variant of Uncertain Significance.

PreventionGenetics, part of Exact Sciences
Classification: Uncertain significance for CRYGC-related condition. Last evaluated: 2024-04-16. Review status: no assertion criteria provided. Collection method: clinical testing. Allele origin: germline. Not counted in ClinVar's aggregate classification.
Comment: The CRYGC c.121G>A variant is predicted to result in the amino acid substitution p.Gly41Ser. To our knowledge, this variant has not been reported in the literature. This variant is reported in 0.011% of alleles in individuals of East Asian descent in gnomAD. At this time, the clinical significance of this variant is uncertain due to the absence of conclusive functional and genetic evidence.

NM_020989.4(CRYGC):c.121G>A (p.Gly41Ser)

Genes: CRYGC (crystallin gamma C; minus strand), LOC100507443 (uncharacterized LOC100507443; plus strand). Cytogenetic location: 2q33.3.
Variant type: single nucleotide variant.
Coding change: c.121G>A on transcript NM_020989.4 (MANE Select); coding-DNA position 121, G replaced by A.
Protein change: p.Gly41Ser; replaces glycine 41 with serine.
Molecular consequence: missense variant.
Genome position (GRCh38, 1-based): chr2:208,129,572, C>T on the plus strand (G>A on the coding strand, the complement: CRYGC is on the minus strand). VCF-style: chr2-208129572-C-T. GRCh37 (hg19) VCF-style: chr2-208994296-C-T.
Other names: c.121G>A (NM_020989.3); short protein forms G41S.
Identifiers: ClinVar variation 1037881 (VCV001037881.10), dbSNP rs559463428, ClinGen allele CA2077945.